The following is an entry in ClinVar:

NM_001371904.1(APOA5):c.830T>C (p.Leu277Pro)

Gene: APOA5 (apolipoprotein A5; minus strand). Cytogenetic location: 11q23.3.
Variant type: single nucleotide variant.
Coding change: c.830T>C on transcript NM_001371904.1 (MANE Select); coding-DNA position 830, T replaced by C.
Protein change: p.Leu277Pro; replaces leucine 277 with proline.
Molecular consequence: missense variant.
Genome position (GRCh38, 1-based): chr11:116,790,399, A>G on the plus strand (T>C on the coding strand, the complement: APOA5 is on the minus strand). VCF-style: chr11-116790399-A-G. GRCh37 (hg19) VCF-style: chr11-116661115-A-G.
Other names: c.830T>C, p.Leu277Pro (NM_001166598.2, NM_052968.5); short protein forms L277P.
Identifiers: ClinVar variation 3721092 (VCV003721092.2).

ClinVar aggregate classification (germline): Uncertain significance (1 of 4 stars; one submission).

gnomAD v4.1: 4 of 1,610,188 alleles (0.00025%); highest among the groups gnomAD compares: Non-Finnish European, 0.00025%; no homozygotes.

Submission:

Labcorp Genetics (formerly Invitae), Labcorp
Classification: Uncertain significance. Last evaluated: 2024-08-29. Review status: criteria provided, single submitter. Criteria: Invitae Variant Classification Sherloc (09022015). Collection method: clinical testing. Allele origin: germline.
Comment: This sequence change replaces leucine, which is neutral and non-polar, with proline, which is neutral and non-polar, at codon 277 of the APOA5 protein (p.Leu277Pro). This variant is present in population databases (rs375950328, gnomAD 0.0009%). This missense change has been observed in individual(s) with APOA5-related conditions (PMID: 25487149, 32041611, 33303402, 36325899). An algorithm developed to predict the effect of missense changes on protein structure and function (PolyPhen-2) suggests that this variant is likely to be disruptive. In summary, the available evidence is currently insufficient to determine the role of this variant in disease. Therefore, it has been classified as a Variant of Uncertain Significance.

Literature cited by the submitters: PubMed 25487149; PubMed 32041611; PubMed 33303402; PubMed 36325899.